The following is an entry in ClinVar:

NM_024598.4(USB1):c.45G>T (p.Glu15Asp)

Gene: USB1 (U6 snRNA biogenesis phosphodiesterase 1; plus strand). Cytogenetic location: 16q21.
Variant type: single nucleotide variant.
Coding change: c.45G>T on transcript NM_024598.4 (MANE Select); coding-DNA position 45, G replaced by T.
Protein change: p.Glu15Asp; replaces glutamic acid 15 with aspartic acid.
Molecular consequence: missense variant. On other transcripts: intron variant (1).
Genome position (GRCh38, 1-based): chr16:58,001,528, G>T. VCF-style: chr16-58001528-G-T. GRCh37 (hg19) VCF-style: chr16-58035432-G-T.
Other names: c.45G>T, p.Glu15Asp (NM_001195302.2, NM_001204911.2, NM_001330569.2); c.-55-951G>T (NM_001330568.2); short protein forms E15D.
Identifiers: ClinVar variation 838261 (VCV000838261.6), dbSNP rs2072558848, ClinGen allele CA396085170.

ClinVar aggregate classification (germline): Uncertain significance. Review status: criteria provided, multiple submitters, no conflicts (2 of 4 stars). 2 submissions from 2 submitters: Uncertain significance (2). Last evaluated 2025-08-08.

Conditions:
Inborn genetic diseases. Identifiers: MedGen C0950123, MeSH D030342.

Allele frequency attached by ClinVar (database versions not stated): TOPMed below 0.00001.

Submissions (2):

Ambry Genetics
Classification: Uncertain significance for Inborn genetic diseases. Last evaluated: 2025-08-08. Review status: criteria provided, single submitter. Criteria: Ambry Variant Classification Scheme 2023. Collection method: clinical testing. Allele origin: germline.
Comment: The p.E15D variant (also known as c.45G>T), located in coding exon 1 of the USB1 gene, results from a G to T substitution at nucleotide position 45. The glutamic acid at codon 15 is replaced by aspartic acid, an amino acid with highly similar properties. This amino acid position is conserved. In addition, this alteration is predicted to be tolerated by in silico analysis. Based on the available evidence, the clinical significance of this variant remains unclear.

Labcorp Genetics (formerly Invitae), Labcorp
Classification: Uncertain significance. Last evaluated: 2021-08-28. Review status: criteria provided, single submitter. Criteria: Invitae Variant Classification Sherloc (09022015). Collection method: clinical testing. Allele origin: germline.